The following is an entry in ClinVar:

ClinVar aggregate classification (germline): Uncertain significance (1 of 4 stars; one submission).

Conditions:
Symmetrical dyschromatosis of extremities (DSH). Also called: DYSCHROMATOSIS SYMMETRICA HEREDITARIA 1; RETICULATE ACROPIGMENTATION OF DOHI; SYMMETRIC DYSCHROMATOSIS OF THE EXTREMITIES; Dyschromatosis symmetrica hereditaria. Identifiers: Orphanet 41, MedGen C0406775, MONDO:0007483, OMIM 127400.
Aicardi-Goutieres syndrome 6 (AGS6). Identifiers: Orphanet 51, MedGen C3539013, MONDO:0014007, OMIM 615010.

Submission:

Labcorp Genetics (formerly Invitae), Labcorp
Classification: Uncertain significance for Aicardi-Goutieres syndrome 6; Symmetrical dyschromatosis of extremities. Last evaluated: 2024-05-06. Review status: criteria provided, single submitter. Criteria: Invitae Variant Classification Sherloc (09022015). Collection method: clinical testing. Allele origin: germline.
Comment: This sequence change replaces aspartic acid, which is acidic and polar, with histidine, which is basic and polar, at codon 224 of the ADAR protein (p.Asp224His). This variant is not present in population databases (gnomAD no frequency). This variant has not been reported in the literature in individuals affected with ADAR-related conditions. Experimental studies and prediction algorithms are not available or were not evaluated, and the functional significance of this variant is currently unknown. In summary, the available evidence is currently insufficient to determine the role of this variant in disease. Therefore, it has been classified as a Variant of Uncertain Significance.

NM_001111.5(ADAR):c.670G>C (p.Asp224His)

Gene: ADAR (adenosine deaminase RNA specific; minus strand). Cytogenetic location: 1q21.3.
Variant type: single nucleotide variant.
Coding change: c.670G>C on transcript NM_001111.5 (MANE Select); coding-DNA position 670, G replaced by C.
Protein change: p.Asp224His; replaces aspartic acid 224 with histidine.
Molecular consequence: missense variant. On other transcripts: 5 prime UTR variant (6).
Genome position (GRCh38, 1-based): chr1:154,601,972, C>G on the plus strand (G>C on the coding strand, the complement: ADAR is on the minus strand). VCF-style: chr1-154601972-C-G. GRCh37 (hg19) VCF-style: chr1-154574448-C-G.
Other names: c.-216G>C (NM_001025107.3, NM_001193495.2, NM_001365046.1 and 3 more transcripts); c.697G>C, p.Asp233His (NM_001365045.1); c.670G>C, p.Asp224His (NM_015840.4, NM_015841.4); short protein forms D224H, D233H.
Identifiers: ClinVar variation 3755961 (VCV003755961.2).
Genomic context (GRCh38, chr1:154,601,972, plus strand): 5'-GCTCAAGAAGATCTTCTGAGACAGATGTGGAGTTTCTGTCTTCCGGTTCCAAACTCGGGT[C>G]TGAGTTTGGGGCTCCTTGGCTATGACCGTCTGGTCTTACCACTCCGCTGTGCTGGTTCCA-3'
Protein context (NP_001102.3, residues 214-234): DGHSQGAPNS[Asp224His]PSLEPEDRNS